The following is an entry in ClinVar:

ClinVar aggregate classification (germline): Likely pathogenic (1 of 4 stars; one submission).

Conditions:
Becker muscular dystrophy, Cardiomyopathy, Duchenne muscular dystrophy, Dystrophin deficiency.

Submission:

Natera, Inc.
Classification: Likely pathogenic for Becker muscular dystrophy, Cardiomyopathy, Duchenne muscular dystrophy, Dystrophin deficiency. Last evaluated: 2025-01-30. Review status: criteria provided, single submitter. Criteria: Natera Variant Classification Schema (03/2026). Collection method: clinical testing. Allele origin: germline.
Comment: The c.10417C>T variant in DMD is a nonsense variant predicted to introduce a stop codon at amino acid 3473. This variant is expected to result in nonsense mediated decay, truncation, or a dysfunctional protein product. This variant is rare in the general population with a frequency below the threshold expected for the associated phenotype(s). Given the available evidence, this variant is classified as Likely Pathogenic.

NM_004006.3(DMD):c.10417C>T (p.Gln3473Ter)

Gene: DMD (dystrophin; minus strand). Cytogenetic location: Xp21.2.
Variant type: single nucleotide variant.
Coding change: c.10417C>T on transcript NM_004006.3 (MANE Select); coding-DNA position 10417, C replaced by T.
Protein change: p.Gln3473Ter; replaces glutamine 3473 with a stop codon.
Molecular consequence: nonsense. On other transcripts: intron variant (2).
Genome position (GRCh38, 1-based): chrX:31,169,579, G>A on the plus strand (C>T on the coding strand, the complement: DMD is on the minus strand). VCF-style: chrX-31169579-G-A. GRCh37 (hg19) VCF-style: chrX-31187696-G-A.
Other names: c.10393C>T, p.Gln3465Ter (NM_000109.4); c.10405C>T, p.Gln3469Ter (NM_004009.3); c.2998C>T, p.Gln1000Ter (NM_004022.3); c.2843+9090C>T (NM_004023.3, NM_004020.4); c.10048C>T, p.Gln3350Ter (NM_004010.3); c.6394C>T, p.Gln2132Ter (NM_004011.4); c.6385C>T, p.Gln2129Ter (NM_004012.4); c.3037C>T, p.Gln1013Ter (NM_004013.3, NM_004021.3); and 3 more; short protein forms Q1000*, Q1013*, Q2129*, Q2132*, Q3350*, Q3465*, Q3469*, Q3473*.
Identifiers: ClinVar variation 4066464 (VCV004066464.2).
Genomic context (GRCh38, chrX:31,169,579, plus strand): 5'-GGGCAGGACTACGAGGCTGGCTCAGGGGGGAGTCCTGGTTCAAACTTTGGCAGTAATGCT[G>A]GATTAACAAATGTTCATCATCTCTGGAAAATAAAATCAAAGGTTTTGGTTTTTTCCCCCC-3'